The following is an entry in ClinVar:

ClinVar aggregate classification (germline): Uncertain significance (1 of 4 stars; one submission).

Submission:

GeneDx
Classification: Uncertain significance. Last evaluated: 2024-04-28. Review status: criteria provided, single submitter. Criteria: GeneDx Variant Classification Process June 2021. Collection method: clinical testing. Allele origin: germline. Affected: yes.
Comment: Not observed at significant frequency in large population cohorts (gnomAD); In silico analysis indicates that this missense variant does not alter protein structure/function; Has not been previously published as pathogenic or benign to our knowledge

NM_001378120.1(MBD5):c.3809G>C (p.Gly1270Ala)

Gene: MBD5 (methyl-CpG binding domain protein 5; plus strand). Cytogenetic location: 2q23.1.
Variant type: single nucleotide variant.
Coding change: c.3809G>C on transcript NM_001378120.1 (MANE Select); coding-DNA position 3809, G replaced by C.
Protein change: p.Gly1270Ala; replaces glycine 1270 with alanine.
Molecular consequence: missense variant.
Genome position (GRCh38, 1-based): chr2:148,489,441, G>C. VCF-style: chr2-148489441-G-C. GRCh37 (hg19) VCF-style: chr2-149247010-G-C.
Other names: c.3110G>C, p.Gly1037Ala (NM_018328.5); short protein forms G1270A, G1037A.
Identifiers: ClinVar variation 3373090 (VCV003373090.1).